The following is an entry in ClinVar:

ClinVar aggregate classification (germline): Pathogenic (1 of 4 stars; one submission).

Allele frequency attached by ClinVar (database versions not stated): gnomAD 0.00002; TOPMed 0.00002.

Submission:

Labcorp Genetics (formerly Invitae), Labcorp
Classification: Pathogenic. Last evaluated: 2023-08-23. Review status: criteria provided, single submitter. Criteria: Invitae Variant Classification Sherloc (09022015). Collection method: clinical testing. Allele origin: germline.
Comment: This sequence change creates a premature translational stop signal (p.Trp2234*) in the DNAH9 gene. It is expected to result in an absent or disrupted protein product. Loss-of-function variants in DNAH9 are known to be pathogenic (PMID: 30471718). This variant is present in population databases (no rsID available, gnomAD 0.01%). This variant has not been reported in the literature in individuals affected with DNAH9-related conditions. Algorithms developed to predict the effect of sequence changes on RNA splicing suggest that this variant may disrupt the consensus splice site. For these reasons, this variant has been classified as Pathogenic.

Literature cited by the submitters: PubMed 30471718.

NM_001372.4(DNAH9):c.6701G>A (p.Trp2234Ter)

Gene: DNAH9 (dynein axonemal heavy chain 9; plus strand). Cytogenetic location: 17p12.
Variant type: single nucleotide variant.
Coding change: c.6701G>A on transcript NM_001372.4 (MANE Select); coding-DNA position 6701, G replaced by A.
Protein change: p.Trp2234Ter; replaces tryptophan 2234 with a stop codon.
Molecular consequence: nonsense.
Genome position (GRCh38, 1-based): chr17:11,752,923, G>A. VCF-style: chr17-11752923-G-A. GRCh37 (hg19) VCF-style: chr17-11656240-G-A.
Other names: short protein forms W2234*.
Identifiers: ClinVar variation 2754729 (VCV002754729.3), dbSNP rs986393350, ClinGen allele CA287817319.